The following is an entry in ClinVar:

NM_001349206.2(LPIN1):c.2131A>G (p.Ile711Val)

Gene: LPIN1 (lipin 1; plus strand). Cytogenetic location: 2p25.1.
Variant type: single nucleotide variant.
Coding change: c.2131A>G on transcript NM_001349206.2 (MANE Select); coding-DNA position 2131, A replaced by G.
Protein change: p.Ile711Val; replaces isoleucine 711 with valine.
Molecular consequence: missense variant. On other transcripts: non-coding transcript variant (1).
Genome position (GRCh38, 1-based): chr2:11,804,540, A>G. VCF-style: chr2-11804540-A-G. GRCh37 (hg19) VCF-style: chr2-11944666-A-G.
Other names: c.2041A>G, p.Ile681Val (NM_001261427.3); c.2278A>G, p.Ile760Val (NM_001261428.3); c.2023A>G, p.Ile675Val (NM_001349199.2, NM_145693.4); c.2101A>G, p.Ile701Val (NM_001349200.2, NM_001349201.2); c.2128A>G, p.Ile710Val (NM_001349202.2, NM_001349203.2); c.2131A>G, p.Ile711Val (NM_001349204.2, NM_001349205.2); c.2221A>G, p.Ile741Val (NM_001349207.2); c.2170A>G, p.Ile724Val (NM_001349208.2); and 1 more; short protein forms I675V, I681V, I741V, I701V, I710V, I711V, I724V, I760V.
Identifiers: ClinVar variation 1980882 (VCV001980882.3), dbSNP rs1439964420, ClinGen allele CA345855418.

ClinVar aggregate classification (germline): Uncertain significance. Review status: criteria provided, multiple submitters, no conflicts (2 of 4 stars). 3 submissions from 3 submitters: Uncertain significance (3). Last evaluated 2024-02-06.

Conditions:
Inborn genetic diseases. Identifiers: MedGen C0950123, MeSH D030342.
Myoglobinuria, acute recurrent, autosomal recessive. Also called: MYOGLOBINURIA, FAMILIAL PAROXYSMAL PARALYTIC; RHABDOMYOLYSIS, ACUTE RECURRENT; Myoglobinuria, recurrent, autosomal recessive. Identifiers: Orphanet 99845, MedGen C1849386, MONDO:0009992, OMIM 268200.

Allele frequency attached by ClinVar (database versions not stated): TOPMed 0.00001; gnomAD exomes below 0.00001; gnomAD 0.00001.
gnomAD v4.1: 9 of 1,614,116 alleles (0.00056%); highest among the groups gnomAD compares: Non-Finnish European, 0.00068%; no homozygotes.

Submissions (3):

Fulgent Genetics
Classification: Uncertain significance for Myoglobinuria, acute recurrent, autosomal recessive. Last evaluated: 2024-02-06. Review status: criteria provided, single submitter. Criteria: ACMG Guidelines, 2015. Collection method: clinical testing. Allele origin: germline.

Ambry Genetics
Classification: Uncertain significance for Inborn genetic diseases. Last evaluated: 2023-10-13. Review status: criteria provided, single submitter. Criteria: Ambry Variant Classification Scheme 2023. Collection method: clinical testing. Allele origin: germline.

Labcorp Genetics (formerly Invitae), Labcorp
Classification: Uncertain significance. Last evaluated: 2022-10-28. Review status: criteria provided, single submitter. Criteria: Invitae Variant Classification Sherloc (09022015). Collection method: clinical testing. Allele origin: germline.
Comment: This sequence change replaces isoleucine, which is neutral and non-polar, with valine, which is neutral and non-polar, at codon 675 of the LPIN1 protein (p.Ile675Val). This variant is present in population databases (no rsID available, gnomAD 0.002%). This variant has not been reported in the literature in individuals affected with LPIN1-related conditions. Advanced modeling of protein sequence and biophysical properties (such as structural, functional, and spatial information, amino acid conservation, physicochemical variation, residue mobility, and thermodynamic stability) performed at Invitae indicates that this missense variant is not expected to disrupt LPIN1 protein function. In summary, the available evidence is currently insufficient to determine the role of this variant in disease. Therefore, it has been classified as a Variant of Uncertain Significance.